The following is an entry in ClinVar:

NM_005811.5(GDF11):c.934C>T (p.Arg312Cys)

Gene: GDF11 (growth differentiation factor 11; plus strand). Cytogenetic location: 12q13.2.
Variant type: single nucleotide variant.
Coding change: c.934C>T on transcript NM_005811.5 (MANE Select); coding-DNA position 934, C replaced by T.
Protein change: p.Arg312Cys; replaces arginine 312 with cysteine.
Molecular consequence: missense variant.
Genome position (GRCh38, 1-based): chr12:55,749,592, C>T. VCF-style: chr12-55749592-C-T. GRCh37 (hg19) VCF-style: chr12-56143376-C-T.
Other names: short protein forms R312C.
Identifiers: ClinVar variation 3371597 (VCV003371597.2).

ClinVar aggregate classification (germline): Uncertain significance (1 of 4 stars; one submission).

gnomAD v4.1: 2 of 1,614,098 alleles (0.00012%); highest among the groups gnomAD compares: Non-Finnish European, 0.00017%; no homozygotes.

Submission:

GeneDx
Classification: Uncertain significance. Last evaluated: 2026-02-15. Review status: criteria provided, single submitter. Criteria: GeneDx Variant Classification Process June 2021. Collection method: clinical testing. Allele origin: germline. Affected: yes.
Comment: Not observed at significant frequency in large population cohorts (gnomAD); In silico analysis supports that this missense variant has a deleterious effect on protein structure/function; Has not been previously published as pathogenic or benign to our knowledge